The following is an entry in ClinVar:

NM_001458.5(FLNC):c.6359C>G (p.Pro2120Arg)

Genes: FLNC (filamin C; plus strand), FLNC-AS1 (FLNC antisense RNA 1; minus strand). Cytogenetic location: 7q32.1.
Variant type: single nucleotide variant.
Coding change: c.6359C>G on transcript NM_001458.5 (MANE Select); coding-DNA position 6359, C replaced by G.
Protein change: p.Pro2120Arg; replaces proline 2120 with arginine.
Molecular consequence: missense variant.
Genome position (GRCh38, 1-based): chr7:128,853,619, C>G. VCF-style: chr7-128853619-C-G. GRCh37 (hg19) VCF-style: chr7-128493673-C-G.
Other names: c.6260C>G, p.Pro2087Arg (NM_001127487.2); short protein forms P2087R, P2120R.
Identifiers: ClinVar variation 849089 (VCV000849089.11), dbSNP rs1808918849, ClinGen allele CA369212366.
Genomic context (GRCh38, chr7:128,853,619, plus strand): 5'-ACTGCCCCACCGAGCCCGGCACCTACATCATCAACATCAAGTTTGCTGACAAGCACGTGC[C>G]TGGTAAGGCTCTGGGCAGAGGTCGGTGGCGAGAGACAGGGAGGCCAGGAGGCTGGGGCTC-3'
Protein context (NP_001449.3, residues 2110-2130): INIKFADKHV[Pro2120Arg]GSPFTVKVTG

ClinVar aggregate classification (germline): Uncertain significance (1 of 4 stars; one submission).

Conditions:
Myofibrillar myopathy 5. Also called: FILAMINOPATHY, AUTOSOMAL DOMINANT; Filaminopathy (type). Identifiers: Orphanet 171445, MedGen C1836050, MONDO:0012289, OMIM 609524.
Distal myopathy with posterior leg and anterior hand involvement. Also called: WILLIAMS DISTAL MYOPATHY. Identifiers: Orphanet 63273, MedGen C3279722, MONDO:0013550, OMIM 614065.
Hypertrophic cardiomyopathy 26. Also called: Cardiomyopathy, familial hypertrophic, 26. Identifiers: Orphanet 75249, MedGen C4310749, MONDO:0014883, OMIM 617047.

Submission:

Labcorp Genetics (formerly Invitae), Labcorp
Classification: Uncertain significance for Distal myopathy with posterior leg and anterior hand involvement; Myofibrillar myopathy 5; Hypertrophic cardiomyopathy 26. Last evaluated: 2019-12-23. Review status: criteria provided, single submitter. Criteria: Invitae Variant Classification Sherloc (09022015). Collection method: clinical testing. Allele origin: germline.
Comment: This sequence change replaces proline with arginine at codon 2120 of the FLNC protein (p.Pro2120Arg). The proline residue is highly conserved and there is a moderate physicochemical difference between proline and arginine. In summary, the available evidence is currently insufficient to determine the role of this variant in disease. Therefore, it has been classified as a Variant of Uncertain Significance. Algorithms developed to predict the effect of sequence changes on RNA splicing suggest that this variant may create or strengthen a splice site, but this prediction has not been confirmed by published transcriptional studies. Algorithms developed to predict the effect of missense changes on protein structure and function are either unavailable or do not agree on the potential impact of this missense change (SIFT: "Tolerated"; PolyPhen-2: "Probably Damaging"; Align-GVGD: "Class C0"). This variant has not been reported in the literature in individuals with FLNC-related conditions. This variant is not present in population databases (ExAC no frequency).